The following is an entry in ClinVar:

ClinVar aggregate classification (germline): Uncertain significance (1 of 4 stars; one submission).

Conditions:
Epidermolysis bullosa simplex 5C, with pyloric atresia (EBS5C). Also called: PLEC1-Related Epidermolysis Bullosa with Pyloric Atresia; Epidermolysis bullosa simplex with pyloric atresia; PLEC-Related Epidermolysis Bullosa with Pyloric Atresia. Identifiers: Orphanet 158684, MedGen C2677349, MONDO:0012807, OMIM 612138.
Autosomal recessive limb-girdle muscular dystrophy type 2Q (LGMDR17). Also called: MUSCULAR DYSTROPHY, LIMB-GIRDLE, AUTOSOMAL RECESSIVE 17. Identifiers: Orphanet 254361, MedGen C3150989, MONDO:0013390, OMIM 613723.
Epidermolysis bullosa simplex with nail dystrophy (EBS5D). Identifiers: MedGen C4225309, MONDO:0014661, OMIM 616487.
Epidermolysis bullosa simplex 5B, with muscular dystrophy (EBS5B). Also called: Epidermolysis bullosa simplex with muscular dystrophy; EPIDERMOLYSIS BULLOSA SIMPLEX AND LIMB-GIRDLE MUSCULAR DYSTROPHY. Identifiers: Orphanet 257, MedGen C2931072, MONDO:0009181, OMIM 226670.
Epidermolysis bullosa simplex, Ogna type (EBS5A). Also called: EPIDERMOLYSIS BULLOSA SIMPLEX 5A, OGNA TYPE; Pidermolysis bullosa simplex 5A, Ogna type. Identifiers: Orphanet 79401, MedGen C0432317, MONDO:0007555, OMIM 131950.

Allele frequency attached by ClinVar (database versions not stated): gnomAD exomes below 0.00001.

Submission:

Labcorp Genetics (formerly Invitae), Labcorp
Classification: Uncertain significance for Autosomal recessive limb-girdle muscular dystrophy type 2Q; Epidermolysis bullosa simplex, Ogna type; Epidermolysis bullosa simplex with nail dystrophy; Epidermolysis bullosa simplex 5C, with pyloric atresia; Epidermolysis bullosa simplex 5B, with muscular dystrophy. Last evaluated: 2022-08-16. Review status: criteria provided, single submitter. Criteria: Invitae Variant Classification Sherloc (09022015). Collection method: clinical testing. Allele origin: germline.
Comment: This variant has not been reported in the literature in individuals affected with PLEC-related conditions. ClinVar contains an entry for this variant (Variation ID: 845117). This variant is not present in population databases (gnomAD no frequency). This sequence change replaces glutamic acid, which is acidic and polar, with valine, which is neutral and non-polar, at codon 1393 of the PLEC protein (p.Glu1393Val). Algorithms developed to predict the effect of missense changes on protein structure and function are either unavailable or do not agree on the potential impact of this missense change (SIFT: "Deleterious"; PolyPhen-2: "Not Available"; Align-GVGD: "Class C15"). In summary, the available evidence is currently insufficient to determine the role of this variant in disease. Therefore, it has been classified as a Variant of Uncertain Significance.

NM_201384.3(PLEC):c.4097A>T (p.Glu1366Val)

Gene: PLEC (plectin; minus strand). Cytogenetic location: 8q24.3.
Variant type: single nucleotide variant.
Coding change: c.4097A>T on transcript NM_201384.3 (MANE Select); coding-DNA position 4097, A replaced by T.
Protein change: p.Glu1366Val; replaces glutamic acid 1366 with valine.
Molecular consequence: missense variant.
Genome position (GRCh38, 1-based): chr8:143,925,832, T>A on the plus strand (A>T on the coding strand, the complement: PLEC is on the minus strand). VCF-style: chr8-143925832-T-A. GRCh37 (hg19) VCF-style: chr8-145000000-T-A.
Other names: c.4178A>T, p.Glu1393Val (NM_000445.5); c.4055A>T, p.Glu1352Val (NM_201378.4); c.4031A>T, p.Glu1344Val (NM_201379.3); c.4508A>T, p.Glu1503Val (NM_201380.4); c.4001A>T, p.Glu1334Val (NM_201381.3); c.4097A>T, p.Glu1366Val (NM_201382.4); c.4109A>T, p.Glu1370Val (NM_201383.3); short protein forms E1393V, E1503V, E1344V, E1334V, E1352V, E1366V, E1370V.
Identifiers: ClinVar variation 845117 (VCV000845117.7), dbSNP rs1824937003, ClinGen allele CA372561300.